The following is an entry in ClinVar:

ClinVar aggregate classification (germline): Likely benign (1 of 4 stars; one submission).

Conditions:
MERTK-related disorder. Also called: MERTK-related condition.

gnomAD v4.1: 7 of 1,614,166 alleles (0.00043%); highest among the groups gnomAD compares: East Asian, 0.016%; no homozygotes.

Submission:

PreventionGenetics, part of Exact Sciences
Classification: Likely benign for MERTK-related condition. Last evaluated: 2026-03-25. Review status: criteria provided, single submitter. Criteria: ACMG Guidelines, 2015. Collection method: clinical testing. Allele origin: germline.
Comment: This variant is classified as likely benign based on ACMG/AMP sequence variant interpretation guidelines (Richards et al. 2015 PMID: 25741868, with internal and published modifications).

NM_006343.3(MERTK):c.2904C>T (p.Ser968=)

Gene: MERTK (MER proto-oncogene, tyrosine kinase; plus strand). Cytogenetic location: 2q13.
Variant type: single nucleotide variant.
Coding change: c.2904C>T on transcript NM_006343.3 (MANE Select); coding-DNA position 2904, C replaced by T.
Protein change: p.Ser968=; no amino-acid change (serine 968 retained).
Molecular consequence: synonymous variant.
Genome position (GRCh38, 1-based): chr2:112,028,768, C>T. VCF-style: chr2-112028768-C-T. GRCh37 (hg19) VCF-style: chr2-112786345-C-T.
Identifiers: ClinVar variation 4986994 (VCV004986994.1).
Genomic context (GRCh38, chr2:112,028,768, plus strand): 5'-AGTCACAGCTGAAAAGAACAGTGTTTTACCGGGGGAGAGACTTGTTAGGAATGGGGTCTC[C>T]TGGTCCCATTCGAGCATGCTGCCCTTGGGAAGCTCATTGCCCGATGAACTTTTGTTTGCT-3'
Protein context (NP_006334.2, residues 958-978): PGERLVRNGV[Ser968=]WSHSSMLPLG